The following is an entry in ClinVar:

NM_024301.5(FKRP):c.818G>T (p.Gly273Val)

Gene: FKRP (fukutin related protein; plus strand). Cytogenetic location: 19q13.32.
Variant type: single nucleotide variant.
Coding change: c.818G>T on transcript NM_024301.5 (MANE Select); coding-DNA position 818, G replaced by T.
Protein change: p.Gly273Val; replaces glycine 273 with valine.
Molecular consequence: missense variant.
Genome position (GRCh38, 1-based): chr19:46,756,268, G>T. VCF-style: chr19-46756268-G-T. GRCh37 (hg19) VCF-style: chr19-47259525-G-T.
Other names: c.818G>T, p.Gly273Val (NM_001039885.3); short protein forms G273V.
Identifiers: ClinVar variation 4025258 (VCV004025258.1).
Genomic context (GRCh38, chr19:46,756,268, plus strand): 5'-CGCGCTGGAAGGCTGAGCGCGAGGGACGCGCTCGGCGGGCGGCGCTGCTCCGCGCGCTGG[G>T]CATCCGCCTAGTGAGCTGGGAAGGCGGGCGGCTGGAGTGGTTCGGCTGCAACAAGGAGAC-3'
Protein context (NP_077277.1, residues 263-283): ARRAALLRAL[Gly273Val]IRLVSWEGGR

ClinVar aggregate classification (germline): Uncertain significance (1 of 4 stars; one submission).

Conditions:
Cardiovascular phenotype. Identifiers: MedGen CN230736.

Submission:

Ambry Genetics
Classification: Uncertain significance for Cardiovascular phenotype. Last evaluated: 2025-05-30. Review status: criteria provided, single submitter. Criteria: Ambry Variant Classification Scheme 2023. Collection method: clinical testing. Allele origin: germline.
Comment: The p.G273V variant (also known as c.818G>T), located in coding exon 1 of the FKRP gene, results from a G to T substitution at nucleotide position 818. The glycine at codon 273 is replaced by valine, an amino acid with dissimilar properties. This amino acid position is conserved. In addition, the in silico prediction for this alteration is inconclusive. Based on the available evidence, the clinical significance of this variant remains unclear.